The following is an entry in ClinVar:

ClinVar aggregate classification (germline): Conflicting classifications of pathogenicity. Review status: criteria provided, conflicting classifications (1 of 4 stars). 3 submissions from 3 submitters: Uncertain significance (1); Likely benign (2). Last evaluated 2024-09-26.

Conditions:
Familial melanoma. Also called: Hereditary melanoma; Hereditary cutaneous melanoma. Identifiers: Orphanet 618, MedGen C1512419, MONDO:0018961.
Melanoma, cutaneous malignant, susceptibility to, 3. Also called: Cutaneous malignant melanoma 3. Identifiers: Orphanet 618, MedGen C1836892, MONDO:0012183, OMIM 609048.

Allele frequency attached by ClinVar (database versions not stated): gnomAD exomes below 0.00001; gnomAD 0.00001.
gnomAD v4.1: 3 of 1,558,310 alleles (0.00019%); highest among the groups gnomAD compares: African/African-American, 0.0027%; no homozygotes.

Submissions (3):

Myriad Genetics, Inc.
Classification: Likely benign for Melanoma, cutaneous malignant, susceptibility to, 3. Last evaluated: 2024-09-26. Review status: criteria provided, single submitter. Criteria: Myriad Autosomal Dominant, Autosomal Recessive and X-Linked Classification Criteria (2023). Collection method: clinical testing. Allele origin: unknown.
Comment: This variant is considered likely benign. This variant is intronic and is not expected to impact mRNA splicing.

Labcorp Genetics (formerly Invitae), Labcorp
Classification: Likely benign for Familial melanoma. Last evaluated: 2024-05-21. Review status: criteria provided, single submitter. Criteria: Invitae Variant Classification Sherloc (09022015). Collection method: clinical testing. Allele origin: germline.

Mendelics
Classification: Uncertain significance for Cutaneous malignant melanoma 3. Last evaluated: 2018-07-02. Review status: criteria provided, single submitter. Criteria: Mendelics Assertion Criteria 2017. Collection method: clinical testing. Allele origin: unknown.

NM_000075.4(CDK4):c.632+9C>T

Gene: CDK4 (cyclin dependent kinase 4; minus strand). Cytogenetic location: 12q14.1.
Variant type: single nucleotide variant.
Coding change: c.632+9C>T on transcript NM_000075.4 (MANE Select); 9 bases into the intron after coding-DNA position 632, C replaced by T.
Molecular consequence: intron variant.
Genome position (GRCh38, 1-based): chr12:57,750,647, G>A on the plus strand (C>T on the coding strand, the complement: CDK4 is on the minus strand). VCF-style: chr12-57750647-G-A. GRCh37 (hg19) VCF-style: chr12-58144430-G-A.
Identifiers: ClinVar variation 463475 (VCV000463475.10), dbSNP rs1192976748, ClinGen allele CA480301020.
Genomic context (GRCh38, chr12:57,750,647, plus strand): 5'-GTATGGATGTGGTTTATGAACAAGCGATTTGGGGAATTCAAGGTAGTCCAGGGTATGTGG[G>A]TCCCATACTTTCGACGAAACATCTCTGCAAAGATACAGCCAACACTCCACATGTCCACAG-3'